The following is an entry in ClinVar:

NM_000548.5(TSC2):c.2363T>C (p.Met788Thr)

Gene: TSC2 (TSC complex subunit 2; plus strand). Cytogenetic location: 16p13.3.
Variant type: single nucleotide variant.
Coding change: c.2363T>C on transcript NM_000548.5 (MANE Select); coding-DNA position 2363, T replaced by C.
Protein change: p.Met788Thr; replaces methionine 788 with threonine.
Molecular consequence: missense variant. On other transcripts: non-coding transcript variant (5).
Genome position (GRCh38, 1-based): chr16:2,074,207, T>C. VCF-style: chr16-2074207-T-C. GRCh37 (hg19) VCF-style: chr16-2124208-T-C.
Other names: c.2363T>C, p.Met788Thr (NM_001077183.3, NM_001114382.3, NM_001363528.2 and 6 more transcripts); c.2252T>C, p.Met751Thr (NM_001318827.2, NM_001406670.1, NM_001406678.1); c.2216T>C, p.Met739Thr (NM_001318829.2, NM_001406675.1, NM_001406676.1 and 1 more transcripts); c.1763T>C, p.Met588Thr (NM_001318831.2, NM_001406685.1, NM_001406686.1 and 6 more transcripts); c.2396T>C, p.Met799Thr (NM_001318832.2); c.2453T>C, p.Met818Thr (NM_001406667.1, NM_001406668.1); c.2351T>C, p.Met784Thr (NM_001406671.1, NM_001406673.1); c.1019T>C, p.Met340Thr (NM_001406689.1, NM_001406690.1, NM_001406691.1 and 6 more transcripts); and 3 more; short protein forms M588T, M784T, M634T, M751T, M769T, M739T, M799T, M254T.
Identifiers: ClinVar variation 2699388 (VCV002699388.4), dbSNP rs45485599, ClinGen allele CA394276958.
Genomic context (GRCh38, chr16:2,074,207, plus strand): 5'-GAGGCTGCCTCTGCTGCAAGCGGGTGGGGCCTGAGGTGTCCTGTCTCCTGCAGCGCGAGA[T>C]GGTCTACTGCCTGGAGCAGGGCCTCATCCACCGCTGTGCCAGCCAGTGCGTCGTGGCCTT-3'
Protein context (NP_000539.2, residues 778-798): NYLDKTKQRE[Met788Thr]VYCLEQGLIH

ClinVar aggregate classification (germline): Uncertain significance. Review status: criteria provided, multiple submitters, no conflicts (2 of 4 stars). 2 submissions from 2 submitters: Uncertain significance (2). Last evaluated 2026-05-30.

Conditions:
Hereditary cancer-predisposing syndrome. Also called: Tumor predisposition; Hereditary neoplastic syndrome; Neoplastic Syndromes, Hereditary; Hereditary Cancer Syndrome. Identifiers: Orphanet 140162, MedGen C0027672, MeSH D009386, MONDO:0015356.
Tuberous sclerosis 2 (TSC2). Identifiers: Orphanet 805, MedGen C1860707, MONDO:0013199, OMIM 613254.

Submissions (2):

Ambry Genetics
Classification: Uncertain significance for Hereditary cancer-predisposing syndrome. Last evaluated: 2026-05-30. Review status: criteria provided, single submitter. Criteria: Ambry Variant Classification Scheme 2023. Collection method: clinical testing. Allele origin: germline.
Comment: The p.M788T variant (also known as c.2363T>C), located in coding exon 21 of the TSC2 gene, results from a T to C substitution at nucleotide position 2363. The methionine at codon 788 is replaced by threonine, an amino acid with similar properties. This amino acid position is conserved. In addition, this alteration is predicted to be deleterious by in silico analysis. Based on the available evidence, the clinical significance of this variant remains unclear.

Labcorp Genetics (formerly Invitae), Labcorp
Classification: Uncertain significance for Tuberous sclerosis 2. Last evaluated: 2023-11-28. Review status: criteria provided, single submitter. Criteria: Invitae Variant Classification Sherloc (09022015). Collection method: clinical testing. Allele origin: germline.
Comment: This sequence change replaces methionine, which is neutral and non-polar, with threonine, which is neutral and polar, at codon 788 of the TSC2 protein (p.Met788Thr). This variant is not present in population databases (gnomAD no frequency). This variant has not been reported in the literature in individuals affected with TSC2-related conditions. Advanced modeling of protein sequence and biophysical properties (such as structural, functional, and spatial information, amino acid conservation, physicochemical variation, residue mobility, and thermodynamic stability) performed at Invitae indicates that this missense variant is not expected to disrupt TSC2 protein function with a negative predictive value of 95%. In summary, the available evidence is currently insufficient to determine the role of this variant in disease. Therefore, it has been classified as a Variant of Uncertain Significance.